The following is an entry in ClinVar:

NM_007217.4(PDCD10):c.462C>A (p.Tyr154Ter)

Gene: PDCD10 (programmed cell death 10; minus strand). Cytogenetic location: 3q26.1.
Variant type: single nucleotide variant.
Coding change: c.462C>A on transcript NM_007217.4 (MANE Select); coding-DNA position 462, C replaced by A.
Protein change: p.Tyr154Ter; replaces tyrosine 154 with a stop codon.
Molecular consequence: nonsense.
Genome position (GRCh38, 1-based): chr3:167,687,627, G>T on the plus strand (C>A on the coding strand, the complement: PDCD10 is on the minus strand). VCF-style: chr3-167687627-G-T. GRCh37 (hg19) VCF-style: chr3-167405415-G-T.
Other names: c.462C>A, p.Tyr154Ter (NM_145859.2, NM_145860.2); short protein forms Y154*.
Identifiers: ClinVar variation 2628404 (VCV002628404.1), dbSNP rs1719758355, ClinGen allele CA355154220.

ClinVar aggregate classification (germline): Likely pathogenic (1 of 4 stars; one submission).

Conditions:
PDCD10-related disorder. Also called: PDCD10-related condition.

Submission:

PreventionGenetics, part of Exact Sciences
Classification: Likely pathogenic for PDCD10-related condition. Last evaluated: 2022-09-19. Review status: criteria provided, single submitter. Criteria: ACMG Guidelines, 2015. Collection method: clinical testing. Allele origin: germline.
Comment: The PDCD10 c.462C>A variant is predicted to result in premature protein termination (p.Tyr154*). To our knowledge, this variant has not been reported in the literature or in a large population database, indicating this variant is rare. Nonsense variants in PDCD10 are excepted to be pathogenic. We interpret this variant as likely pathogenic.